The following is an entry in ClinVar:

ClinVar aggregate classification (germline): Uncertain significance. Review status: criteria provided, multiple submitters, no conflicts (2 of 4 stars). 3 submissions from 3 submitters: Uncertain significance (3). Last evaluated 2025-05-05.

Conditions:
Hermansky-Pudlak syndrome 6 (HPS6). Identifiers: Orphanet 231512, Orphanet 79430, MedGen C3888007, MONDO:0013558, OMIM 614075.
Inborn genetic diseases. Identifiers: MedGen C0950123, MeSH D030342.

Allele frequency attached by ClinVar (database versions not stated): gnomAD exomes 0.00001; ExAC 0.00003.

Submissions (3):

Labcorp Genetics (formerly Invitae), Labcorp
Classification: Uncertain significance. Last evaluated: 2025-05-05. Review status: criteria provided, single submitter. Criteria: Invitae Variant Classification Sherloc (09022015). Collection method: clinical testing. Allele origin: germline.
Comment: This sequence change replaces glycine, which is neutral and non-polar, with serine, which is neutral and polar, at codon 257 of the HPS6 protein (p.Gly257Ser). This variant is present in population databases (rs770423925, gnomAD 0.02%). This variant has not been reported in the literature in individuals affected with HPS6-related conditions. ClinVar contains an entry for this variant (Variation ID: 2168335). Invitae Evidence Modeling of protein sequence and biophysical properties (such as structural, functional, and spatial information, amino acid conservation, physicochemical variation, residue mobility, and thermodynamic stability) indicates that this missense variant is not expected to disrupt HPS6 protein function with a negative predictive value of 80%. In summary, the available evidence is currently insufficient to determine the role of this variant in disease. Therefore, it has been classified as a Variant of Uncertain Significance.

Fulgent Genetics
Classification: Uncertain significance for Hermansky-Pudlak syndrome 6. Last evaluated: 2024-02-01. Review status: criteria provided, single submitter. Criteria: ACMG Guidelines, 2015. Collection method: clinical testing. Allele origin: germline.

Ambry Genetics
Classification: Uncertain significance for Inborn genetic diseases. Last evaluated: 2022-09-27. Review status: criteria provided, single submitter. Criteria: Ambry Variant Classification Scheme 2023. Collection method: clinical testing. Allele origin: germline.

NM_024747.6(HPS6):c.769G>A (p.Gly257Ser)

Gene: HPS6 (HPS6 biogenesis of lysosomal organelles complex 2 subunit 3; plus strand). Cytogenetic location: 10q24.32.
Variant type: single nucleotide variant.
Coding change: c.769G>A on transcript NM_024747.6 (MANE Select); coding-DNA position 769, G replaced by A.
Protein change: p.Gly257Ser; replaces glycine 257 with serine.
Molecular consequence: missense variant.
Genome position (GRCh38, 1-based): chr10:102,066,243, G>A. VCF-style: chr10-102066243-G-A. GRCh37 (hg19) VCF-style: chr10-103826000-G-A.
Other names: short protein forms G257S.
Identifiers: ClinVar variation 2168335 (VCV002168335.4), dbSNP rs770423925, ClinGen allele CA5659853.
Genomic context (GRCh38, chr10:102,066,243, plus strand): 5'-TACAGTAAGAGTCTGAATCCTGGACGAGGGGACACATGGGACTTCCGGACCCTGCTCCGA[G>A]GCCTTCCTGGGTTGCTGTCCCCCAGGGAGCCACTGGCTGTACACACCTGGGCCCCAACTC-3'
Protein context (NP_079023.2, residues 247-267): DTWDFRTLLR[Gly257Ser]LPGLLSPREP